The following is an entry in ClinVar:

NM_000426.4(LAMA2):c.3644del (p.Pro1215fs)

Gene: LAMA2 (laminin subunit alpha 2; plus strand). Cytogenetic location: 6q22.33.
Variant type: Deletion.
Coding change: c.3644del on transcript NM_000426.4 (MANE Select); coding-DNA position 3644, one base deleted (C; older notation c.3644delC).
Protein change: p.Pro1215fs; shifts the reading frame from proline 1215.
Molecular consequence: frameshift variant.
Genome position (GRCh38, 1-based): chr6:129,315,564, C deleted; the last of 2 consecutive C bases (chr6:129,315,563-129,315,564); deleting either gives the same sequence. VCF-style (leftmost placement, unchanged base first): chr6-129315562-TC-T. GRCh37 (hg19) VCF-style: chr6-129636707-TC-T.
Other names: c.3644del, p.Pro1215fs (NM_001079823.2); short protein forms P1215fs.
Identifiers: ClinVar variation 4292594 (VCV004292594.1).

ClinVar aggregate classification (germline): Likely pathogenic (1 of 4 stars; one submission).

Conditions:
Muscular dystrophy, limb-girdle, autosomal recessive 23. Identifiers: Orphanet 565837, MedGen C4748327, MONDO:0029136, OMIM 618138.

Submission:

3billion
Classification: Likely pathogenic for Muscular dystrophy, limb-girdle, autosomal recessive 23. Last evaluated: 2024-12-12. Review status: criteria provided, single submitter. Criteria: ACMG Guidelines, 2015. Collection method: clinical testing. Allele origin: germline. Affected: yes.
Comment: The variant is not observed in the gnomAD v4.1.0 dataset. Predicted Consequence/Location: Frameshift: predicted to result in a loss or disruption of normal protein function through nonsense-mediated decay (NMD) or protein truncation. Multiple pathogenic variants are reported downstream of the variant. Therefore, this variant is classified as Likely pathogenic according to the recommendation of ACMG/AMP guideline.